The following is an entry in ClinVar:

NM_001256789.3(CACNA1F):c.2074A>T (p.Thr692Ser)

Gene: CACNA1F (calcium voltage-gated channel subunit alpha1 F; minus strand). Cytogenetic location: Xp11.23.
Variant type: single nucleotide variant.
Coding change: c.2074A>T on transcript NM_001256789.3 (MANE Select); coding-DNA position 2074, A replaced by T.
Protein change: p.Thr692Ser; replaces threonine 692 with serine.
Molecular consequence: missense variant.
Genome position (GRCh38, 1-based): chrX:49,222,940, T>A on the plus strand (A>T on the coding strand, the complement: CACNA1F is on the minus strand). VCF-style: chrX-49222940-T-A. GRCh37 (hg19) VCF-style: chrX-49079399-T-A.
Other names: c.1912A>T, p.Thr638Ser (NM_001256790.3); c.2107A>T, p.Thr703Ser (NM_005183.4); short protein forms T692S, T638S, T703S.
Identifiers: ClinVar variation 1346518 (VCV001346518.8), dbSNP rs2147914017, ClinGen allele CA412911380.
Genomic context (GRCh38, chrX:49,222,940, plus strand): 5'-AACTCCAGGGTCTCCCCGACCCACCCATCCCATGGTCTCCAGATCCTACCTGAAAGACAG[T>A]GAGGAGGGCCTGGGGGAACGTGTCAAAGGTGCTTCGCTTGGTGTGGGTCTGGTCAAAGTT-3'
Protein context (NP_001243718.1, residues 682-702): TFDTFPQALL[Thr692Ser]VFQILTGEDW

ClinVar aggregate classification (germline): Uncertain significance (1 of 4 stars; one submission).

Submission:

Labcorp Genetics (formerly Invitae), Labcorp
Classification: Uncertain significance. Last evaluated: 2023-10-03. Review status: criteria provided, single submitter. Criteria: Invitae Variant Classification Sherloc (09022015). Collection method: clinical testing. Allele origin: germline.
Comment: This sequence change replaces threonine, which is neutral and polar, with serine, which is neutral and polar, at codon 703 of the CACNA1F protein (p.Thr703Ser). This variant is not present in population databases (gnomAD no frequency). This variant has not been reported in the literature in individuals affected with CACNA1F-related conditions. ClinVar contains an entry for this variant (Variation ID: 1346518). Advanced modeling of protein sequence and biophysical properties (such as structural, functional, and spatial information, amino acid conservation, physicochemical variation, residue mobility, and thermodynamic stability) performed at Invitae indicates that this missense variant is not expected to disrupt CACNA1F protein function. In summary, the available evidence is currently insufficient to determine the role of this variant in disease. Therefore, it has been classified as a Variant of Uncertain Significance.